The following is an entry in ClinVar:

NM_001039111.3(TRIM71):c.2009C>G (p.Ala670Gly)

Gene: TRIM71 (tripartite motif containing 71; plus strand). Cytogenetic location: 3p22.3.
Variant type: single nucleotide variant.
Coding change: c.2009C>G on transcript NM_001039111.3 (MANE Select); coding-DNA position 2009, C replaced by G.
Protein change: p.Ala670Gly; replaces alanine 670 with glycine.
Molecular consequence: missense variant.
Genome position (GRCh38, 1-based): chr3:32,891,213, C>G. VCF-style: chr3-32891213-C-G. GRCh37 (hg19) VCF-style: chr3-32932705-C-G.
Other names: short protein forms A670G.
Identifiers: ClinVar variation 5040734 (VCV005040734.1).

ClinVar aggregate classification (germline): Uncertain significance (1 of 4 stars; one submission).

Submission:

CeGaT Center for Human Genetics Tuebingen
Classification: Uncertain significance. Last evaluated: 2026-08-01. Review status: criteria provided, single submitter. Criteria: CeGaT Center For Human Genetics Tuebingen Variant Classification Criteria Version 2. Collection method: clinical testing. Allele origin: germline. Affected: yes. Observed: 1 variant allele.
Comment: TRIM71: PM2, PP2, BP5